The following is an entry in ClinVar:

ClinVar aggregate classification (germline): Uncertain significance (1 of 4 stars; one submission).

Conditions:
Birt-Hogg-Dube syndrome. Also called: Birt Hogg Dubé syndrome. Identifiers: Orphanet 122, MedGen C0346010, MONDO:0800444.

Submission:

Labcorp Genetics (formerly Invitae), Labcorp
Classification: Uncertain significance for Birt-Hogg-Dube syndrome. Last evaluated: 2019-07-31. Review status: criteria provided, single submitter. Criteria: Invitae Variant Classification Sherloc (09022015). Collection method: clinical testing. Allele origin: germline.
Comment: This sequence change replaces proline with serine at codon 472 of the FLCN protein (p.Pro472Ser). The proline residue is moderately conserved and there is a moderate physicochemical difference between proline and serine. This variant is not present in population databases (ExAC no frequency). This variant has not been reported in the literature in individuals with FLCN-related conditions. Algorithms developed to predict the effect of missense changes on protein structure and function (SIFT, PolyPhen-2, Align-GVGD) all suggest that this variant is likely to be tolerated, but these predictions have not been confirmed by published functional studies and their clinical significance is uncertain. In summary, the available evidence is currently insufficient to determine the role of this variant in disease. Therefore, it has been classified as a Variant of Uncertain Significance.

NM_144997.7(FLCN):c.1414C>T (p.Pro472Ser)

Gene: FLCN (folliculin; minus strand). Cytogenetic location: 17p11.2.
Variant type: single nucleotide variant.
Coding change: c.1414C>T on transcript NM_144997.7 (MANE Select); coding-DNA position 1414, C replaced by T.
Protein change: p.Pro472Ser; replaces proline 472 with serine.
Molecular consequence: missense variant.
Genome position (GRCh38, 1-based): chr17:17,215,203, G>A on the plus strand (C>T on the coding strand, the complement: FLCN is on the minus strand). VCF-style: chr17-17215203-G-A. GRCh37 (hg19) VCF-style: chr17-17118517-G-A.
Other names: c.1468C>T, p.Pro490Ser (NM_001353229.2); c.1414C>T, p.Pro472Ser (NM_001353230.2, NM_001353231.2); short protein forms P472S, P490S.
Identifiers: ClinVar variation 955321 (VCV000955321.7), dbSNP rs151312899, ClinGen allele CA398531137.